The following is an entry in ClinVar:

NM_001161352.2(KCNMA1):c.*690C>A

Gene: KCNMA1 (potassium calcium-activated channel subfamily M alpha 1; minus strand). Cytogenetic location: 10q22.3.
Variant type: single nucleotide variant.
Coding change: c.*690C>A on transcript NM_001161352.2 (MANE Select); 690 bases downstream of the stop codon, C replaced by A.
Molecular consequence: 3 prime UTR variant. On other transcripts: intron variant (7).
Genome position (GRCh38, 1-based): chr10:76,886,576, G>T on the plus strand (C>A on the coding strand, the complement: KCNMA1 is on the minus strand). VCF-style: chr10-76886576-G-T. GRCh37 (hg19) VCF-style: chr10-78646334-G-T.
Other names: c.*690C>A (NM_001161353.2, NM_001271519.2, NM_001322836.2 and 2 more transcripts); c.3362+715C>A (NM_001271518.2); c.3512+715C>A (NM_001322832.2); c.3521+715C>A (NM_001322829.2); c.3524+715C>A (NM_001014797.3); c.3605+715C>A (NM_001322835.2); c.3614+715C>A (NM_001322830.2); c.3059+715C>A (NM_001322838.2).
Identifiers: ClinVar variation 300945 (VCV000300945.5), dbSNP rs145289064, ClinGen allele CA10636497.

ClinVar aggregate classification (germline): Likely benign (1 of 4 stars; one submission).

Conditions:
Generalized epilepsy-paroxysmal dyskinesia syndrome (PNKD3). Also called: Paroxysmal nonkinesigenic dyskinesia, 3, with or without generalized epilepsy; Generalized epilepsy and paroxysmal dyskinesia. Identifiers: Orphanet 79137, MedGen C5574945, MONDO:0012276, OMIM 609446.

Allele frequency attached by ClinVar (database versions not stated): gnomAD exomes 0.00014; 1000 Genomes Project 30x 0.00250; 1000 Genomes Project 0.00260; gnomAD 0.00288 and 0.00312; TOPMed 0.00337.
gnomAD v4.1: 563 of 987,302 alleles (0.057%); highest among the groups gnomAD compares: African/African-American, 0.93%; 1 homozygote.

Submission:

Illumina Laboratory Services, Illumina
Classification: Likely benign for Generalized epilepsy-paroxysmal dyskinesia syndrome. Last evaluated: 2018-01-13. Review status: criteria provided, single submitter. Criteria: ICSL Variant Classification Criteria 13 December 2019. Collection method: clinical testing. Allele origin: germline.
Comment: This variant was observed in the ICSL laboratory as part of a predisposition screen in an ostensibly healthy population. It had not been previously curated by ICSL or reported in the Human Gene Mutation Database (HGMD: prior to June 1st, 2018), and was therefore a candidate for classification through an automated scoring system. Utilizing variant allele frequency, disease prevalence and penetrance estimates, and inheritance mode, an automated score was calculated to assess if this variant is too frequent to cause the disease. Based on the score and internal cut-off values, a variant classified as likely benign is not then subjected to further curation. The score for this variant resulted in a classification of likely benign for this disease.